The following is an entry in ClinVar:

NM_152419.3(HGSNAT):c.135A>T (p.Arg45Ser)

Gene: HGSNAT (heparan-alpha-glucosaminide N-acetyltransferase; plus strand). Cytogenetic location: 8p11.21.
Variant type: single nucleotide variant.
Coding change: c.135A>T on transcript NM_152419.3 (MANE Select); coding-DNA position 135, A replaced by T.
Protein change: p.Arg45Ser; replaces arginine 45 with serine.
Molecular consequence: missense variant. On other transcripts: 5 prime UTR variant (1).
Genome position (GRCh38, 1-based): chr8:43,146,964, A>T. VCF-style: chr8-43146964-A-T. GRCh37 (hg19) VCF-style: chr8-43002107-A-T.
Other names: c.135A>T, p.Arg45Ser (NM_001363227.2, NM_001363228.2); c.-699A>T (NM_001363229.2); short protein forms R45S.
Identifiers: ClinVar variation 2129661 (VCV002129661.2), dbSNP rs746715452, ClinGen allele CA4736435.

ClinVar aggregate classification (germline): Uncertain significance. Review status: criteria provided, multiple submitters, no conflicts (2 of 4 stars). 2 submissions from 2 submitters: Uncertain significance (2). Last evaluated 2023-10-01.

Conditions:
Retinal dystrophy. Also called: Inherited retinal dystrophy. Identifiers: Orphanet 71862, MedGen C0854723, MeSH D058499, MONDO:0019118, HP:0000556.
Mucopolysaccharidosis, MPS-III-C (MPS3C). Also called: SANFILIPPO SYNDROME C; MPS III C; mucopolysaccharidosis type 3C; MUCOPOLYSACCHARIDOSIS, TYPE IIIC; MPS IIIC (Sanfilippo Syndrome Type C); Mucopolysaccharidosis type IIIC (Sanfilippo C). Identifiers: Orphanet 581, Orphanet 79271, MedGen C0086649, MONDO:0009657, OMIM 252930.
Retinitis pigmentosa 73 (RP73). Identifiers: Orphanet 791, MedGen C4225287, MONDO:0014687, OMIM 616544.

Allele frequency attached by ClinVar (database versions not stated): ExAC 0.00002; gnomAD exomes 0.00001; TOPMed 0.00001.
gnomAD v4.1: 9 of 1,597,124 alleles (0.00056%); highest among the groups gnomAD compares: East Asian, 0.02%; no homozygotes.

Submissions (2):

Dept Of Ophthalmology, Nagoya University
Classification: Uncertain significance for Retinal dystrophy. Last evaluated: 2023-10-01. Review status: criteria provided, single submitter. Criteria: Submitter's publication. Collection method: research. Allele origin: germline. Affected: yes.

Labcorp Genetics (formerly Invitae), Labcorp
Classification: Uncertain significance for Retinitis pigmentosa 73; Mucopolysaccharidosis, MPS-III-C. Last evaluated: 2022-04-23. Review status: criteria provided, single submitter. Criteria: Invitae Variant Classification Sherloc (09022015). Collection method: clinical testing. Allele origin: germline.
Comment: This sequence change replaces arginine, which is basic and polar, with serine, which is neutral and polar, at codon 45 of the HGSNAT protein (p.Arg45Ser). This variant is present in population databases (rs746715452, gnomAD 0.02%). This variant has not been reported in the literature in individuals affected with HGSNAT-related conditions. Advanced modeling of protein sequence and biophysical properties (such as structural, functional, and spatial information, amino acid conservation, physicochemical variation, residue mobility, and thermodynamic stability) performed at Invitae indicates that this missense variant is not expected to disrupt HGSNAT protein function. In summary, the available evidence is currently insufficient to determine the role of this variant in disease. Therefore, it has been classified as a Variant of Uncertain Significance.